The following is an entry in ClinVar:

NM_025137.4(SPG11):c.2330A>G (p.Lys777Arg)

Gene: SPG11 (SPG11 vesicle trafficking associated, spatacsin; minus strand). Cytogenetic location: 15q21.1.
Variant type: single nucleotide variant.
Coding change: c.2330A>G on transcript NM_025137.4 (MANE Select); coding-DNA position 2330, A replaced by G.
Protein change: p.Lys777Arg; replaces lysine 777 with arginine.
Molecular consequence: missense variant.
Genome position (GRCh38, 1-based): chr15:44,622,334, T>C on the plus strand (A>G on the coding strand, the complement: SPG11 is on the minus strand). VCF-style: chr15-44622334-T-C. GRCh37 (hg19) VCF-style: chr15-44914532-T-C.
Other names: c.2330A>G, p.Lys777Arg (NM_001160227.2, NM_001411132.1); short protein forms K777R.
Identifiers: ClinVar variation 1789715 (VCV001789715.2), dbSNP rs2505558848, ClinGen allele CA392232081.

ClinVar aggregate classification (germline): Uncertain significance (1 of 4 stars; one submission).

Conditions:
Inborn genetic diseases. Identifiers: MedGen C0950123, MeSH D030342.

Submission:

Ambry Genetics
Classification: Uncertain significance for Inborn genetic diseases. Last evaluated: 2021-03-03. Review status: criteria provided, single submitter. Criteria: Ambry Variant Classification Scheme 2023. Collection method: clinical testing. Allele origin: germline.
Comment: The p.K777R variant (also known as c.2330A>G), located in coding exon 13 of the SPG11 gene, results from an A to G substitution at nucleotide position 2330. The lysine at codon 777 is replaced by arginine, an amino acid with highly similar properties. This amino acid position is well conserved in available vertebrate species. In addition, this alteration is predicted to be tolerated by in silico analysis. Since supporting evidence is limited at this time, the clinical significance of this alteration remains unclear.